The following is an entry in ClinVar:

ClinVar aggregate classification (germline): Uncertain significance (1 of 4 stars; one submission).

Allele frequency attached by ClinVar (database versions not stated): gnomAD exomes below 0.00001; TOPMed 0.00005; ESP Exome Variant Server 0.00008; gnomAD 0.00003; ExAC 0.00002.
gnomAD v4.1: 9 of 1,614,060 alleles (0.00056%); highest among the groups gnomAD compares: African/African-American, 0.0093%; no homozygotes.

Submission:

Labcorp Genetics (formerly Invitae), Labcorp
Classification: Uncertain significance. Last evaluated: 2025-06-16. Review status: criteria provided, single submitter. Criteria: Invitae Variant Classification Sherloc (09022015). Collection method: clinical testing. Allele origin: germline.
Comment: This sequence change replaces arginine, which is basic and polar, with glycine, which is neutral and non-polar, at codon 859 of the DDX58 protein (p.Arg859Gly). This variant is present in population databases (rs147393239, gnomAD 0.008%). This variant has not been reported in the literature in individuals affected with DDX58-related conditions. ClinVar contains an entry for this variant (Variation ID: 2907511). Invitae Evidence Modeling of protein sequence and biophysical properties (such as structural, functional, and spatial information, amino acid conservation, physicochemical variation, residue mobility, and thermodynamic stability) indicates that this missense variant is not expected to disrupt DDX58 protein function with a negative predictive value of 80%. In summary, the available evidence is currently insufficient to determine the role of this variant in disease. Therefore, it has been classified as a Variant of Uncertain Significance.

NM_014314.4(RIGI):c.2575A>G (p.Arg859Gly)

Gene: RIGI (RNA sensor RIG-I; minus strand). Cytogenetic location: 9p21.1.
Variant type: single nucleotide variant.
Coding change: c.2575A>G on transcript NM_014314.4 (MANE Select); coding-DNA position 2575, A replaced by G.
Protein change: p.Arg859Gly; replaces arginine 859 with glycine.
Molecular consequence: missense variant.
Genome position (GRCh38, 1-based): chr9:32,457,325, T>C on the plus strand (A>G on the coding strand, the complement: RIGI is on the minus strand). VCF-style: chr9-32457325-T-C. GRCh37 (hg19) VCF-style: chr9-32457323-T-C.
Other names: c.2569A>G, p.Arg857Gly (NM_001385907.1); c.2404A>G, p.Arg802Gly (NM_001385909.1); c.2134A>G, p.Arg712Gly (NM_001385910.1); c.1966A>G, p.Arg656Gly (NM_001385912.1); c.2560A>G, p.Arg854Gly (NM_001385913.1); c.2131A>G, p.Arg711Gly (NM_001385914.1); short protein forms R802G, R712G, R857G, R656G, R854G, R711G, R859G.
Identifiers: ClinVar variation 2907511 (VCV002907511.3), dbSNP rs147393239, ClinGen allele CA5019455.